The following is an entry in ClinVar:

NM_002296.4(LBR):c.357G>A (p.Pro119=)

Gene: LBR (lamin B receptor; minus strand). Cytogenetic location: 1q42.12.
Variant type: single nucleotide variant.
Coding change: c.357G>A on transcript NM_002296.4 (MANE Select); coding-DNA position 357, G replaced by A.
Protein change: p.Pro119=; no amino-acid change (proline 119 retained).
Molecular consequence: synonymous variant.
Genome position (GRCh38, 1-based): chr1:225,422,086, C>T on the plus strand (G>A on the coding strand, the complement: LBR is on the minus strand). VCF-style: chr1-225422086-C-T. GRCh37 (hg19) VCF-style: chr1-225609788-C-T.
Other names: c.357G>A, p.Pro119= (NM_194442.3).
Identifiers: ClinVar variation 877056 (VCV000877056.32), dbSNP rs150177807, ClinGen allele CA1417500.
Genomic context (GRCh38, chr1:225,422,086, plus strand): 5'-TATATACATAAAGCGGAAGACAAAAGGCTGTATAAGGATAAACACAAGTACCAGAATCAG[C>T]GGAGTCAATTTAACTTCCACTTCCCTCCTTGCTTCCTTAATGTCGGCCTGGTGGGAAGCA-3'
Protein context (NP_002287.2, residues 109-129): ARREVEVKLT[Pro119=]LILKPFGNSI

ClinVar aggregate classification (germline): Conflicting classifications of pathogenicity. Review status: criteria provided, conflicting classifications (1 of 4 stars). 3 submissions from 3 submitters: Uncertain significance (1); Benign (1); Likely benign (1). Last evaluated 2022-10-24.

Conditions:
Greenberg dysplasia (GRBGD). Also called: HEM SKELETAL DYSPLASIA; MOTH-EATEN SKELETAL DYSPLASIA; CHONDRODYSTROPHY, HYDROPIC AND PRENATALLY LETHAL TYPE. Identifiers: Orphanet 1426, MedGen C2931048, MONDO:0008974, OMIM 215140.

Allele frequency attached by ClinVar (database versions not stated): ESP Exome Variant Server 0.00008; gnomAD 0.00008 and 0.00011; gnomAD exomes 0.00008 and 0.00014; TOPMed 0.00009; ExAC 0.00014; 1000 Genomes Project 0.00020; 1000 Genomes Project 30x 0.00031.
gnomAD v4.1: 130 of 1,613,882 alleles (0.0081%); highest among the groups gnomAD compares: South Asian, 0.096%; 2 homozygotes.

Submissions (3):

Labcorp Genetics (formerly Invitae), Labcorp
Classification: Benign. Last evaluated: 2022-10-24. Review status: criteria provided, single submitter. Criteria: Invitae Variant Classification Sherloc (09022015). Collection method: clinical testing. Allele origin: germline.

CeGaT Center for Human Genetics Tuebingen
Classification: Likely benign. Last evaluated: 2022-04-01. Review status: criteria provided, single submitter. Criteria: CeGaT Center For Human Genetics Tuebingen Variant Classification Criteria Version 2. Collection method: clinical testing. Allele origin: germline. Affected: yes. Observed: 1 variant allele.
Comment: LBR: BP4, BP7

Illumina Laboratory Services, Illumina
Classification: Uncertain significance for Greenberg dysplasia. Last evaluated: 2018-01-13. Review status: criteria provided, single submitter. Criteria: ICSL Variant Classification Criteria 13 December 2019. Collection method: clinical testing. Allele origin: germline.